The following is an entry in ClinVar:

NM_006593.4(TBR1):c.418G>A (p.Gly140Ser)

Gene: TBR1 (T-box brain transcription factor 1; plus strand). Cytogenetic location: 2q24.2.
Variant type: single nucleotide variant.
Coding change: c.418G>A on transcript NM_006593.4 (MANE Select); coding-DNA position 418, G replaced by A.
Protein change: p.Gly140Ser; replaces glycine 140 with serine.
Molecular consequence: missense variant.
Genome position (GRCh38, 1-based): chr2:161,416,828, G>A. VCF-style: chr2-161416828-G-A. GRCh37 (hg19) VCF-style: chr2-162273339-G-A.
Other names: short protein forms G140S.
Identifiers: ClinVar variation 2662204 (VCV002662204.1), dbSNP rs974187675, ClinGen allele CA349211347.

ClinVar aggregate classification (germline): Uncertain significance (1 of 4 stars; one submission).

Submission:

GeneDx
Classification: Uncertain significance. Last evaluated: 2023-05-05. Review status: criteria provided, single submitter. Criteria: GeneDx Variant Classification Process June 2021. Collection method: clinical testing. Allele origin: germline. Affected: yes.
Comment: Not observed at significant frequency in large population cohorts (gnomAD); In silico analysis supports that this missense variant does not alter protein structure/function; Has not been previously published as pathogenic or benign to our knowledge